The following is an entry in ClinVar:

ClinVar aggregate classification (germline): Conflicting classifications of pathogenicity. Review status: criteria provided, conflicting classifications (1 of 4 stars). 8 submissions from 8 submitters: Uncertain significance (1); Benign (1); Likely benign (6). Last evaluated 2026-07-01.

Conditions:
TTN-related disorder. Also called: TTN-related disorders; TTN-related condition; TTN-related disease.
Cardiovascular phenotype. Identifiers: MedGen CN230736.
Dilated cardiomyopathy 1G (CMD1G). Identifiers: Orphanet 154, MedGen C1858763, MONDO:0011400, OMIM 604145.
Autosomal recessive limb-girdle muscular dystrophy type 2J (LGMDR10). Also called: MUSCULAR DYSTROPHY, LIMB-GIRDLE, AUTOSOMAL RECESSIVE 10; Limb-girdle muscular dystrophy, type 2J. Identifiers: Orphanet 140922, MedGen C1837342, MONDO:0012127, OMIM 608807.

Allele frequency attached by ClinVar (database versions not stated): TOPMed 0.00005; gnomAD 0.00006; gnomAD exomes 0.00009.
gnomAD v4.1: 145 of 1,603,036 alleles (0.009%); highest among the groups gnomAD compares: Middle Eastern, 0.017%; no homozygotes.

Submissions (8):

CeGaT Center for Human Genetics Tuebingen
Classification: Likely benign. Last evaluated: 2026-07-01. Review status: criteria provided, single submitter. Criteria: CeGaT Center For Human Genetics Tuebingen Variant Classification Criteria Version 2. Collection method: clinical testing. Allele origin: germline. Affected: yes. Observed: 2 variant alleles.
Comment: TTN: BP4, BP7

PreventionGenetics, part of Exact Sciences
Classification: Likely benign for TTN-related condition. Last evaluated: 2026-06-23. Review status: criteria provided, single submitter. Criteria: ACMG Guidelines, 2015. Collection method: clinical testing. Allele origin: germline.
Comment: This variant is classified as likely benign based on ACMG/AMP sequence variant interpretation guidelines (Richards et al. 2015 PMID: 25741868, with internal and published modifications).

Labcorp Genetics (formerly Invitae), Labcorp
Classification: Likely benign for Dilated cardiomyopathy 1G; Autosomal recessive limb-girdle muscular dystrophy type 2J. Last evaluated: 2026-01-19. Review status: criteria provided, single submitter. Criteria: Invitae Variant Classification Sherloc (09022015). Collection method: clinical testing. Allele origin: germline.

Molecular Diagnostic Laboratory for Inherited Cardiovascular Disease, Montreal Heart Institute
Classification: Likely benign. Last evaluated: 2025-04-09. Review status: criteria provided, single submitter. Criteria: ACMG Guidelines, 2015. Collection method: clinical testing. Allele origin: germline. Affected: no.
Comment: BP1

Blueprint Genetics
Classification: Likely benign. Last evaluated: 2024-05-16. Review status: criteria provided, single submitter. Criteria: ACMG Guidelines, 2015. Collection method: clinical testing. Allele origin: germline.

Eurofins Ntd Llc (ga)
Classification: Uncertain significance. Last evaluated: 2017-06-06. Review status: criteria provided, single submitter. Criteria: EGL Classification Definitions 2015. Collection method: clinical testing. Allele origin: germline. Observed: 3 variant alleles, 3 heterozygotes.

Ambry Genetics
Classification: Likely benign for Cardiovascular phenotype. Last evaluated: 2017-01-26. Review status: criteria provided, single submitter. Criteria: Ambry Variant Classification Scheme 2023. Collection method: clinical testing. Allele origin: germline.

GeneDx
Classification: Benign. Last evaluated: 2014-09-09. Review status: criteria provided, single submitter. Criteria: GeneDx Variant Classification (06012015). Collection method: clinical testing. Allele origin: germline. Affected: yes.
Comment: This variant is considered likely benign or benign based on one or more of the following criteria: it is a conservative change, it occurs at a poorly conserved position in the protein, it is predicted to be benign by multiple in silico algorithms, and/or has population frequency not consistent with disease.

NM_001267550.2(TTN):c.55809G>A (p.Pro18603=)

Genes: TTN (titin; minus strand), TTN-AS1 (TTN antisense RNA 1; plus strand). Cytogenetic location: 2q31.2.
Variant type: single nucleotide variant.
Coding change: c.55809G>A on transcript NM_001267550.2 (MANE Select); coding-DNA position 55809, G replaced by A.
Protein change: p.Pro18603=; no amino-acid change (proline 18603 retained).
Molecular consequence: synonymous variant.
Genome position (GRCh38, 1-based): chr2:178,601,095, C>T on the plus strand (G>A on the coding strand, the complement: TTN is on the minus strand). VCF-style: chr2-178601095-C-T. GRCh37 (hg19) VCF-style: chr2-179465822-C-T.
Other names: p.P16962P:CCG>CCA; c.50886G>A, p.Pro16962= (NM_001256850.1); c.28614G>A, p.Pro9538= (NM_003319.4); c.48105G>A, p.Pro16035= (NM_133378.4); c.28989G>A, p.Pro9663= (NM_133432.3); c.29190G>A, p.Pro9730= (NM_133437.4).
Identifiers: ClinVar variation 202275 (VCV000202275.26), dbSNP rs750472100, ClinGen allele CA308953.
Genomic context (GRCh38, chr2:178,601,095, plus strand): 5'-AGGGTCCCATGCAAGGCACTCAACAATATAGTGGGTAACAGGGGAGCCCCCATCATTCTT[C>T]GGGGGTTTCCATGACAGATGCACTGTGTTCTTTGTGATGAGGCCAATCTTGAGTTTAATA-3'
Protein context (NP_001254479.2, residues 18593-18613): KNTVHLSWKP[Pro18603=]KNDGGSPVTH